The following is an entry in ClinVar:

ClinVar aggregate classification (germline): Pathogenic (1 of 4 stars; one submission).

Conditions:
LAMA2-related muscular dystrophy (LAMA2-RD). Also called: Laminin alpha 2-related dystrophy. Identifiers: MedGen C5679788, MONDO:0100228.

Submission:

Labcorp Genetics (formerly Invitae), Labcorp
Classification: Pathogenic for LAMA2-related muscular dystrophy. Last evaluated: 2022-06-20. Review status: criteria provided, single submitter. Criteria: Invitae Variant Classification Sherloc (09022015). Collection method: clinical testing. Allele origin: germline.
Comment: For these reasons, this variant has been classified as Pathogenic. This variant has not been reported in the literature in individuals affected with LAMA2-related conditions. This variant is not present in population databases (gnomAD no frequency). This sequence change creates a premature translational stop signal (p.Thr2933Asnfs*32) in the LAMA2 gene. It is expected to result in an absent or disrupted protein product. Loss-of-function variants in LAMA2 are known to be pathogenic (PMID: 18700894, 32904964).

Literature cited by the submitters: PubMed 18700894; PubMed 32904964.

NM_000426.4(LAMA2):c.8798del (p.Thr2933fs)

Gene: LAMA2 (laminin subunit alpha 2; plus strand). Cytogenetic location: 6q22.33.
Variant type: Deletion.
Coding change: c.8798del on transcript NM_000426.4 (MANE Select); coding-DNA position 8798, one base deleted (C; older notation c.8798delC).
Protein change: p.Thr2933fs; shifts the reading frame from threonine 2933.
Molecular consequence: frameshift variant.
Genome position (GRCh38, 1-based): chr6:129,507,583, C deleted. VCF-style (leftmost placement, unchanged base first): chr6-129507582-AC-A. GRCh37 (hg19) VCF-style: chr6-129828727-AC-A.
Other names: c.8786del, p.Thr2929fs (NM_001079823.2); short protein forms T2929fs, T2933fs.
Identifiers: ClinVar variation 1387988 (VCV001387988.6), dbSNP rs2114911219, ClinGen allele CA2573140508.